The following is an entry in ClinVar:

NM_001365276.2(TNXB):c.344_345insT (p.Lys115fs)

Gene: TNXB (tenascin XB; minus strand). Cytogenetic location: 6p21.33.
Variant type: Insertion.
Coding change: c.344_345insT on transcript NM_001365276.2 (MANE Select); coding-DNA positions 344 to 345, T inserted.
Protein change: p.Lys115fs; shifts the reading frame from lysine 115.
Molecular consequence: frameshift variant.
Genome position: GRCh38 VCF-style: chr6-32097854-C-CA. GRCh37 (hg19) VCF-style: chr6-32065631-C-CA.
Other names: c.344_345insT, p.Lys115fs (NM_001428335.1, NM_019105.8); short protein forms K115fs.
Identifiers: ClinVar variation 5014297 (VCV005014297.1).

ClinVar aggregate classification (germline): Pathogenic (1 of 4 stars; one submission).

Conditions:
Ehlers-Danlos syndrome due to tenascin-X deficiency (EDSCLL1). Also called: Ehlers-Danlos syndrome, classic-like, 1; EHLERS-DANLOS SYNDROME, CLASSIC-LIKE; TNXB-Related Classical-Like Ehlers-Danlos Syndrome; EDS DUE TO TNX DEFICIENCY; TNX DEFICIENCY. Identifiers: Orphanet 230839, MedGen C1848029, MONDO:0011670, OMIM 606408.

Submission:

Myriad Genetics, Inc.
Classification: Pathogenic for Ehlers-Danlos syndrome due to tenascin-X deficiency. Last evaluated: 2025-04-03. Review status: criteria provided, single submitter. Criteria: Myriad Autosomal Dominant, Autosomal Recessive and X-Linked Classification Criteria (2023). Collection method: clinical testing. Allele origin: unknown.
Comment: NM_019105.6(TNXB):c.344_345insT(K115Nfs*36) is expected to be pathogenic in the context of classical-like Ehlers-Danlos syndrome, TNXB-related. This variant is predicted to lead to an abnormal or absent protein product due to the creation of a premature termination codon in TNXB, a gene where loss-of-function variants are known to be pathogenic. Please note: this variant was assessed in the context of healthy population screening.